The following is an entry in ClinVar:

ClinVar aggregate classification (germline): Uncertain significance. Review status: criteria provided, multiple submitters, no conflicts (2 of 4 stars). 2 submissions from 2 submitters: Uncertain significance (2). Last evaluated 2025-08-12.

Conditions:
Lethal multiple pterygium syndrome (LMPS). Identifiers: Orphanet 33108, MedGen C1854678, MONDO:0009668, OMIM 253290.
Inborn genetic diseases. Identifiers: MedGen C0950123, MeSH D030342.

Submissions (2):

Ambry Genetics
Classification: Uncertain significance for Inborn genetic diseases. Last evaluated: 2025-08-12. Review status: criteria provided, single submitter. Criteria: Ambry Variant Classification Scheme 2023. Collection method: clinical testing. Allele origin: germline.

Labcorp Genetics (formerly Invitae), Labcorp
Classification: Uncertain significance for Lethal multiple pterygium syndrome. Last evaluated: 2023-10-06. Review status: criteria provided, single submitter. Criteria: Invitae Variant Classification Sherloc (09022015). Collection method: clinical testing. Allele origin: germline.
Comment: This sequence change replaces threonine, which is neutral and polar, with arginine, which is basic and polar, at codon 363 of the CHRNA1 protein (p.Thr363Arg). This variant is not present in population databases (gnomAD no frequency). This variant has not been reported in the literature in individuals affected with CHRNA1-related conditions. ClinVar contains an entry for this variant (Variation ID: 568875). Advanced modeling of protein sequence and biophysical properties (such as structural, functional, and spatial information, amino acid conservation, physicochemical variation, residue mobility, and thermodynamic stability) performed at Invitae indicates that this missense variant is not expected to disrupt CHRNA1 protein function. In summary, the available evidence is currently insufficient to determine the role of this variant in disease. Therefore, it has been classified as a Variant of Uncertain Significance.

NM_000079.4(CHRNA1):c.1088C>G (p.Thr363Arg)

Gene: CHRNA1 (cholinergic receptor nicotinic alpha 1 subunit; minus strand). Cytogenetic location: 2q31.1.
Variant type: single nucleotide variant.
Coding change: c.1088C>G on transcript NM_000079.4 (MANE Select); coding-DNA position 1088, C replaced by G.
Protein change: p.Thr363Arg; replaces threonine 363 with arginine.
Molecular consequence: missense variant.
Genome position (GRCh38, 1-based): chr2:174,748,734, G>C on the plus strand (C>G on the coding strand, the complement: CHRNA1 is on the minus strand). VCF-style: chr2-174748734-G-C. GRCh37 (hg19) VCF-style: chr2-175613462-G-C.
Other names: c.1163C>G, p.Thr388Arg (NM_001039523.3); short protein forms T363R, T388R.
Identifiers: ClinVar variation 568875 (VCV000568875.11), dbSNP rs146771663, ClinGen allele CA349334973.
Genomic context (GRCh38, chr2:174,748,734, plus strand): 5'-TGGAAGCCCATGGGTGGAGGCCCTGGCTTTCCAGAAATGTCAGAGATATCAATGTCTTCT[G>C]TAAAAATCTTTTTGTCTTGCTTTTCTCTGGATGGTCTTTTCATTGTGGAGAAAAACATGA-3'
Protein context (NP_000070.1, residues 353-373): SREKQDKKIF[Thr363Arg]EDIDISDISG